The following is an entry in ClinVar:

ClinVar aggregate classification (germline): Uncertain significance (1 of 4 stars; one submission).

Conditions:
ACACB-related disorder. Also called: ACACB-related condition.

gnomAD v4.1: 10 of 1,611,340 alleles (0.00062%); highest among the groups gnomAD compares: East Asian, 0.0022%; no homozygotes.

Submission:

PreventionGenetics, part of Exact Sciences
Classification: Uncertain significance for ACACB-related condition. Last evaluated: 2026-05-26. Review status: criteria provided, single submitter. Criteria: ACMG Guidelines, 2015. Collection method: clinical testing. Allele origin: germline.
Comment: The ACACB c.3892C>T variant is predicted to result in the amino acid substitution p.Arg1298Trp. To our knowledge, this variant has not been reported in the literature. This variant is reported in 0.0016% of alleles in individuals of European (Non-Finnish) descent in gnomAD. At this time, the clinical significance of this variant is uncertain due to the absence of conclusive functional and genetic evidence.

NM_001093.4(ACACB):c.3892C>T (p.Arg1298Trp)

Gene: ACACB (acetyl-CoA carboxylase beta; plus strand). Cytogenetic location: 12q24.11.
Variant type: single nucleotide variant.
Coding change: c.3892C>T on transcript NM_001093.4 (MANE Select); coding-DNA position 3892, C replaced by T.
Protein change: p.Arg1298Trp; replaces arginine 1298 with tryptophan.
Molecular consequence: missense variant.
Genome position (GRCh38, 1-based): chr12:109,227,380, C>T. VCF-style: chr12-109227380-C-T. GRCh37 (hg19) VCF-style: chr12-109665185-C-T.
Other names: c.3892C>T, p.Arg1298Trp (NM_001412734.1, NM_001412735.1); c.3286C>T, p.Arg1096Trp (NM_001412736.1, NM_001412739.1); c.3265C>T, p.Arg1089Trp (NM_001412737.1); c.3097C>T, p.Arg1033Trp (NM_001412738.1); short protein forms R1298W, R1033W, R1089W, R1096W.
Identifiers: ClinVar variation 4987960 (VCV004987960.1).